The following is an entry in ClinVar:

ClinVar aggregate classification (germline): Likely benign. Review status: criteria provided, multiple submitters, no conflicts (2 of 4 stars). 3 submissions from 3 submitters: Likely benign (3). Last evaluated 2026-02-03.

Conditions:
RNASEH2A-related disorder. Also called: RNASEH2A-related condition.
Aicardi-Goutieres syndrome 4. Identifiers: Orphanet 51, MedGen C1835912, MONDO:0012472, OMIM 610333.

Allele frequency attached by ClinVar (database versions not stated): ExAC 0.00009; 1000 Genomes Project 30x 0.00031; ESP Exome Variant Server 0.00031; TOPMed 0.00031; 1000 Genomes Project 0.00040; gnomAD 0.00048.

Submissions (3):

Labcorp Genetics (formerly Invitae), Labcorp
Classification: Likely benign for Aicardi-Goutieres syndrome 4. Last evaluated: 2026-02-03. Review status: criteria provided, single submitter. Criteria: Invitae Variant Classification Sherloc (09022015). Collection method: clinical testing. Allele origin: germline.

PreventionGenetics, part of Exact Sciences
Classification: Likely benign for RNASEH2A-related condition. Last evaluated: 2025-05-22. Review status: criteria provided, single submitter. Criteria: ACMG Guidelines, 2015. Collection method: clinical testing. Allele origin: germline.
Comment: This variant is classified as likely benign based on ACMG/AMP sequence variant interpretation guidelines (Richards et al. 2015 PMID: 25741868, with internal and published modifications).

Blueprint Genetics
Classification: Likely benign. Last evaluated: 2022-09-06. Review status: criteria provided, single submitter. Criteria: ACMG Guidelines, 2015. Collection method: clinical testing. Allele origin: germline.

NM_006397.3(RNASEH2A):c.199+9G>C

Gene: RNASEH2A (ribonuclease H2 subunit A; plus strand). Cytogenetic location: 19p13.13.
Variant type: single nucleotide variant.
Coding change: c.199+9G>C on transcript NM_006397.3 (MANE Select); 9 bases into the intron after coding-DNA position 199, G replaced by C.
Molecular consequence: intron variant.
Genome position (GRCh38, 1-based): chr19:12,807,088, G>C. VCF-style: chr19-12807088-G-C. GRCh37 (hg19) VCF-style: chr19-12917902-G-C.
Identifiers: ClinVar variation 743039 (VCV000743039.12), dbSNP rs370775997, ClinGen allele CA9231775.